The following is an entry in ClinVar:

NM_001128164.2(ATXN1):c.1024C>T (p.Leu342=)

Gene: ATXN1 (ataxin 1; minus strand). Cytogenetic location: 6p22.3.
Variant type: single nucleotide variant.
Coding change: c.1024C>T on transcript NM_001128164.2 (MANE Select); coding-DNA position 1024, C replaced by T.
Protein change: p.Leu342=; no amino-acid change (leucine 342 retained).
Molecular consequence: synonymous variant. On other transcripts: 3 prime UTR variant (1).
Genome position (GRCh38, 1-based): chr6:16,327,287, G>A on the plus strand (C>T on the coding strand, the complement: ATXN1 is on the minus strand). VCF-style: chr6-16327287-G-A. GRCh37 (hg19) VCF-style: chr6-16327518-G-A.
Other names: c.1024C>T, p.Leu342= (NM_000332.4); c.*437C>T (NM_001357857.2).
Identifiers: ClinVar variation 3048005 (VCV003048005.2), dbSNP rs139148755, ClinGen allele CA3645431.

ClinVar aggregate classification (germline): Likely benign (0 of 4 stars; one submission).

Conditions:
ATXN1-related disorder. Also called: ATXN1-related condition.

Allele frequency attached by ClinVar (database versions not stated): gnomAD exomes 0.00018; ExAC 0.00034; 1000 Genomes Project 30x 0.00094; 1000 Genomes Project 0.00100; ESP Exome Variant Server 0.00131; gnomAD 0.00138; TOPMed 0.00146.
gnomAD v4.1: 487 of 1,613,358 alleles (0.03%); highest among the groups gnomAD compares: African/African-American, 0.5%; 2 homozygotes.

Submission:

PreventionGenetics, part of Exact Sciences
Classification: Likely benign for ATXN1-related condition. Last evaluated: 2019-03-07. Review status: no assertion criteria provided. Collection method: clinical testing. Allele origin: germline.
Comment: This variant is classified as likely benign based on ACMG/AMP sequence variant interpretation guidelines (Richards et al. 2015 PMID: 25741868, with internal and published modifications).